The following is an entry in ClinVar:

ClinVar aggregate classification (germline): Conflicting classifications of pathogenicity. Review status: criteria provided, conflicting classifications (1 of 4 stars). 10 submissions from 10 submitters: Uncertain significance (1); Likely benign (5). 4 of the submissions do not count toward it. Last evaluated 2026-05-01.

Conditions:
MYO7A-related disorder. Also called: MYO7A-related disorders.
Usher syndrome type 1B (USH1B). Also called: Usher syndrome type IB. Identifiers: MedGen C1848638, MONDO:0700087.

Allele frequency attached by ClinVar (database versions not stated): gnomAD 0.00032; ESP Exome Variant Server 0.00033; TOPMed 0.00051; 1000 Genomes Project 0.00060; 1000 Genomes Project 30x 0.00062.
gnomAD v4.1: 825 of 1,550,780 alleles (0.053%); highest among the groups gnomAD compares: Non-Finnish European, 0.068%; 1 homozygote.

Submissions (10):

CeGaT Center for Human Genetics Tuebingen
Classification: Likely benign. Last evaluated: 2026-05-01. Review status: criteria provided, single submitter. Criteria: CeGaT Center For Human Genetics Tuebingen Variant Classification Criteria Version 2. Collection method: clinical testing. Allele origin: germline. Affected: yes. Observed: 3 variant alleles.
Comment: MYO7A: BP4, BP7

Labcorp Genetics (formerly Invitae), Labcorp
Classification: Likely benign. Last evaluated: 2026-01-24. Review status: criteria provided, single submitter. Criteria: Invitae Variant Classification Sherloc (09022015). Collection method: clinical testing. Allele origin: germline.

Blueprint Genetics
Classification: Likely benign. Last evaluated: 2024-11-15. Review status: criteria provided, single submitter. Criteria: ACMG Guidelines, 2015. Collection method: clinical testing. Allele origin: germline.

Eurofins Ntd Llc (ga)
Classification: Uncertain significance. Last evaluated: 2018-06-11. Review status: criteria provided, single submitter. Criteria: EGL ClinVar v180209 classification definitions. Collection method: clinical testing. Allele origin: germline. Observed: 1 variant allele, 1 heterozygote.

GeneDx
Classification: Likely benign. Last evaluated: 2018-01-18. Review status: criteria provided, single submitter. Criteria: GeneDx Variant Classification (06012015). Collection method: clinical testing. Allele origin: germline. Affected: yes.
Comment: This variant is considered likely benign or benign based on one or more of the following criteria: it is a conservative change, it occurs at a poorly conserved position in the protein, it is predicted to be benign by multiple in silico algorithms, and/or has population frequency not consistent with disease.

Laboratory for Molecular Medicine, Mass General Brigham Personalized Medicine
Classification: Likely benign. Last evaluated: 2016-08-04. Review status: criteria provided, single submitter. Criteria: LMM Criteria. Collection method: clinical testing. Allele origin: germline. Observed: 5 variant alleles.
Comment: p.Pro1751Pro in Exon 38 of MYO7A: This variant is not expected to have clinical significance because it does not alter an amino acid residue and is not located within the splice consensus sequence. It has been identified in 1/7182 European chromosomes by the Exome Aggregation Consortium (ExAC; dbSNP rs377388669).

Natera, Inc.
Classification: Likely benign for Usher syndrome type 1B. Last evaluated: 2020-09-16. Review status: no assertion criteria provided. Collection method: clinical testing. Allele origin: germline. Not counted in ClinVar's aggregate classification.

PreventionGenetics, part of Exact Sciences
Classification: Likely benign for MYO7A-related condition. Last evaluated: 2019-08-20. Review status: no assertion criteria provided. Collection method: clinical testing. Allele origin: germline. Not counted in ClinVar's aggregate classification.
Comment: This variant is classified as likely benign based on ACMG/AMP sequence variant interpretation guidelines (Richards et al. 2015 PMID: 25741868, with internal and published modifications).

Clinical Genetics DNA and cytogenetics Diagnostics Lab, Erasmus MC, Erasmus Medical Center
Classification: Likely benign. Review status: no assertion criteria provided. Collection method: clinical testing. Allele origin: germline. Affected: yes. Study: VKGL Data-share Consensus. Not counted in ClinVar's aggregate classification.

Clinical Genetics, Academic Medical Center
Classification: Benign. Review status: no assertion criteria provided. Collection method: clinical testing. Allele origin: germline. Affected: yes. Study: VKGL Data-share Consensus. Not counted in ClinVar's aggregate classification.

NM_000260.4(MYO7A):c.5253G>T (p.Pro1751=)

Gene: MYO7A (myosin VIIA; plus strand). Cytogenetic location: 11q13.5.
Variant type: single nucleotide variant.
Coding change: c.5253G>T on transcript NM_000260.4 (MANE Select); coding-DNA position 5253, G replaced by T.
Protein change: p.Pro1751=; no amino-acid change (proline 1751 retained).
Molecular consequence: synonymous variant.
Genome position (GRCh38, 1-based): chr11:77,203,144, G>T. VCF-style: chr11-77203144-G-T. GRCh37 (hg19) VCF-style: chr11-76914189-G-T.
Other names: c.5139G>T, p.Pro1713= (NM_001127180.2); c.5106G>T, p.Pro1702= (NM_001369365.1).
Identifiers: ClinVar variation 178489 (VCV000178489.49), dbSNP rs377388669, ClinGen allele CA182426.